The following is an entry in ClinVar:

ClinVar aggregate classification (germline): Uncertain significance (1 of 4 stars; one submission).

Conditions:
Generalized epilepsy with febrile seizures plus, type 7 (GEFSP7). Also called: GEFS+, TYPE 7. Identifiers: Orphanet 36387, MedGen C2751778, MONDO:0013470, OMIM 613863.
Neuropathy, hereditary sensory and autonomic, type 2A (HSAN2A). Also called: HSAN IIA; WNK1-Related HSAN2 (HSAN2A); MORVAN DISEASE; NEUROPATHY, CONGENITAL SENSORY; NEUROPATHY, HEREDITARY SENSORY RADICULAR, AUTOSOMAL RECESSIVE; NEUROPATHY, HEREDITARY SENSORY, TYPE IIA. Identifiers: Orphanet 970, MedGen C2752089, MONDO:0024309, OMIM 201300.

Submission:

Labcorp Genetics (formerly Invitae), Labcorp
Classification: Uncertain significance for Neuropathy, hereditary sensory and autonomic, type 2A; Generalized epilepsy with febrile seizures plus, type 7. Last evaluated: 2022-09-27. Review status: criteria provided, single submitter. Criteria: Invitae Variant Classification Sherloc (09022015). Collection method: clinical testing. Allele origin: germline.
Comment: This variant has not been reported in the literature in individuals affected with SCN9A-related conditions. This variant is not present in population databases (gnomAD no frequency). This sequence change replaces alanine, which is neutral and non-polar, with serine, which is neutral and polar, at codon 1264 of the SCN9A protein (p.Ala1264Ser). In summary, the available evidence is currently insufficient to determine the role of this variant in disease. Therefore, it has been classified as a Variant of Uncertain Significance. Advanced modeling of protein sequence and biophysical properties (such as structural, functional, and spatial information, amino acid conservation, physicochemical variation, residue mobility, and thermodynamic stability) performed at Invitae indicates that this missense variant is not expected to disrupt SCN9A protein function. ClinVar contains an entry for this variant (Variation ID: 1441931).

NM_001365536.1(SCN9A):c.3823G>T (p.Ala1275Ser)

Genes: SCN9A (sodium voltage-gated channel alpha subunit 9; minus strand), SCN1A-AS1 (SCN1A and SCN9A antisense RNA 1; plus strand). Cytogenetic location: 2q24.3.
Variant type: single nucleotide variant.
Coding change: c.3823G>T on transcript NM_001365536.1 (MANE Select); coding-DNA position 3823, G replaced by T.
Protein change: p.Ala1275Ser; replaces alanine 1275 with serine.
Molecular consequence: missense variant.
Genome position (GRCh38, 1-based): chr2:166,233,441, C>A on the plus strand (G>T on the coding strand, the complement: SCN9A is on the minus strand). VCF-style: chr2-166233441-C-A. GRCh37 (hg19) VCF-style: chr2-167089951-C-A.
Other names: c.3790G>T, p.Ala1264Ser (NM_002977.4); short protein forms A1264S, A1275S.
Identifiers: ClinVar variation 1441931 (VCV001441931.6), dbSNP rs1369376245, ClinGen allele CA349066674.